The following is an entry in ClinVar:

NM_001165963.4(SCN1A):c.2567C>T (p.Ser856Phe)

Gene: SCN1A (sodium voltage-gated channel alpha subunit 1; minus strand). Cytogenetic location: 2q24.3.
Variant type: single nucleotide variant.
Coding change: c.2567C>T on transcript NM_001165963.4 (MANE Select); coding-DNA position 2567, C replaced by T.
Protein change: p.Ser856Phe; replaces serine 856 with phenylalanine.
Molecular consequence: missense variant. On other transcripts: non-coding transcript variant (1).
Genome position (GRCh38, 1-based): chr2:166,039,445, G>A on the plus strand (C>T on the coding strand, the complement: SCN1A is on the minus strand). VCF-style: chr2-166039445-G-A. GRCh37 (hg19) VCF-style: chr2-166895955-G-A.
Other names: c.2483C>T, p.Ser828Phe (NM_001165964.3, NM_001353957.2, NM_001353958.2); c.2567C>T, p.Ser856Phe (NM_001202435.3, NM_001353948.2); c.2534C>T, p.Ser845Phe (NM_001353949.2, NM_001353950.2, NM_001353951.2 and 2 more transcripts); c.2531C>T, p.Ser844Phe (NM_001353954.2, NM_001353955.2); c.2480C>T, p.Ser827Phe (NM_001353960.2); c.125C>T, p.Ser42Phe (NM_001353961.2); short protein forms S42F, S827F, S828F, S844F, S845F, S856F.
Identifiers: ClinVar variation 3363966 (VCV003363966.1).

ClinVar aggregate classification (germline): Uncertain significance (1 of 4 stars; one submission).

Submission:

GeneDx
Classification: Uncertain significance. Last evaluated: 2024-04-18. Review status: criteria provided, single submitter. Criteria: GeneDx Variant Classification Process June 2021. Collection method: clinical testing. Allele origin: germline. Affected: yes.
Comment: Not observed at significant frequency in large population cohorts (gnomAD); In silico analysis supports that this missense variant has a deleterious effect on protein structure/function; Has not been previously published as pathogenic or benign to our knowledge